The following is an entry in ClinVar:

NM_000441.2(SLC26A4):c.1708-18T>A

Gene: SLC26A4 (solute carrier family 26 member 4; plus strand). Cytogenetic location: 7q22.3.
Variant type: single nucleotide variant.
Coding change: c.1708-18T>A on transcript NM_000441.2 (MANE Select); 18 bases into the intron before coding-DNA position 1708, T replaced by A.
Molecular consequence: intron variant.
Genome position (GRCh38, 1-based): chr7:107,701,083, T>A. VCF-style: chr7-107701083-T-A. GRCh37 (hg19) VCF-style: chr7-107341528-T-A.
Identifiers: ClinVar variation 256155 (VCV000256155.39), dbSNP rs55701254, ClinGen allele CA4432923.
Genomic context (GRCh38, chr7:107,701,083, plus strand): 5'-AGCCTTTCCAGATAACAGTTGCCATTAATAAGCTTTAGGTGCCAGGCATTTTAAGTAACT[T>A]GACATTTATTTCCAAAGGTTGGATTTGATGCCATTAGAGTATATAATAAGAGGCTGAAAG-3'

ClinVar aggregate classification (germline): Benign. Review status: reviewed by expert panel (3 of 4 stars). 14 submissions from 14 submitters: Benign (1). 13 of the submissions do not count toward it. Last evaluated 2020-03-18.

Conditions:
Pendred syndrome (PDS). Also called: Pendred Syndrome (PDS); THYROID DYSHORMONOGENESIS 2B; THYROID HORMONOGENESIS, GENETIC DEFECT IN, 2B; DEAFNESS WITH GOITER; Pendred's syndrome; GOITER-DEAFNESS SYNDROME. Identifiers: Orphanet 705, MedGen C0271829, MONDO:0010134, OMIM 274600.

Allele frequency attached by ClinVar (database versions not stated): 1000 Genomes Project 30x 0.01280; 1000 Genomes Project 0.01318; TOPMed 0.02127; ESP Exome Variant Server 0.02215; gnomAD 0.02358 and 0.02432; ExAC 0.02518; gnomAD exomes 0.02557 and 0.02967.
gnomAD v4.1: 43,081 of 1,490,604 alleles (2.9%); highest among the groups gnomAD compares: Non-Finnish European, 3.3%; 756 homozygotes.

Submissions (17):

ClinGen Hearing Loss Variant Curation Expert Panel
Classification: Benign for Pendred syndrome. Last evaluated: 2020-03-18. Review status: reviewed by expert panel. Criteria: ClinGen HL ACMG Specifications v1. Collection method: curation. Allele origin: germline. Inheritance: Autosomal recessive inheritance.
Comment: The filtering allele frequency (the lower threshold of the 95% CI of 1456/25104) of the c.1708-18T>A variant in the SLC26A4 gene is 5.55% for European (Finnish) chromosomes by gnomAD v2.1.1, which is a high enough frequency to be classified as benign based on thresholds defined by the ClinGen Hearing Loss Expert Panel for autosomal recessive hearing loss variants (BA1). This silent variant in SLC26A4 is not predicted by the computational prediction analysis using MaxEntScan to impact splicing (BP7, BP4). In summary, this variant meets criteria to be classified as benign. ACMG/AMP criteria applied, as specified by the Hearing Loss Expert Panel: BA1, BP7, BP4.

CeGaT Center for Human Genetics Tuebingen
Classification: Benign. Last evaluated: 2026-08-01. Review status: criteria provided, single submitter. Criteria: CeGaT Center For Human Genetics Tuebingen Variant Classification Criteria Version 2. Collection method: clinical testing. Allele origin: germline. Affected: yes. Observed: 2 variant alleles. Not counted in ClinVar's aggregate classification.
Comment: SLC26A4: BS1, BS2

Labcorp Genetics (formerly Invitae), Labcorp
Classification: Benign. Last evaluated: 2026-02-04. Review status: criteria provided, single submitter. Criteria: Invitae Variant Classification Sherloc (09022015). Collection method: clinical testing. Allele origin: germline. Not counted in ClinVar's aggregate classification.

Blueprint Genetics
Classification: Likely benign. Last evaluated: 2024-11-27. Review status: criteria provided, single submitter. Criteria: ACMG Guidelines, 2015. Collection method: clinical testing. Allele origin: germline. Not counted in ClinVar's aggregate classification.

ARUP Laboratories, Molecular Genetics and Genomics, ARUP Laboratories
Classification: Benign. Last evaluated: 2023-11-09. Review status: criteria provided, single submitter. Criteria: ARUP Molecular Germline Variant Investigation Process 2024. Collection method: clinical testing. Allele origin: germline. Not counted in ClinVar's aggregate classification.

Women's Health and Genetics/Laboratory Corporation of America, LabCorp
Classification: Benign. Last evaluated: 2021-12-10. Review status: criteria provided, single submitter. Criteria: LabCorp Variant Classification Summary - May 2015. Collection method: clinical testing. Allele origin: germline. Not counted in ClinVar's aggregate classification.

Eurofins Ntd Llc (ga)
Classification: Benign. Last evaluated: 2018-05-14. Review status: criteria provided, single submitter. Criteria: EGL ClinVar v180209 classification definitions. Collection method: clinical testing. Allele origin: germline. Observed: 1 variant allele, 1 heterozygote. Not counted in ClinVar's aggregate classification.

GeneDx
Classification: Benign. Last evaluated: 2015-03-03. Review status: criteria provided, single submitter. Criteria: GeneDx Variant Classification Process June 2021. Collection method: clinical testing. Allele origin: germline. Affected: yes. Not counted in ClinVar's aggregate classification.
Comment: This variant is associated with the following publications: (PMID: 23280318)

Breakthrough Genomics
Classification: Benign. Review status: criteria provided, single submitter. Criteria: ACMG Guidelines, 2015. Collection method: not provided. Allele origin: germline. Inheritance: Autosomal recessive inheritance. Affected: yes. Not counted in ClinVar's aggregate classification.

PreventionGenetics, part of Exact Sciences
Classification: Benign. Review status: criteria provided, single submitter. Criteria: ACMG Guidelines, 2015. Collection method: clinical testing. Allele origin: germline. Not counted in ClinVar's aggregate classification.

Natera, Inc.
Classification: Benign for Pendred syndrome. Last evaluated: 2020-09-16. Review status: no assertion criteria provided. Collection method: clinical testing. Allele origin: germline. Not counted in ClinVar's aggregate classification.

Clinical Genetics DNA and cytogenetics Diagnostics Lab, Erasmus MC, Erasmus Medical Center
Classification: Likely benign. Review status: no assertion criteria provided. Collection method: clinical testing. Allele origin: germline. Affected: yes. Study: VKGL Data-share Consensus. Not counted in ClinVar's aggregate classification.

Clinical Genetics, Academic Medical Center
Classification: Benign. Review status: no assertion criteria provided. Collection method: clinical testing. Allele origin: germline. Affected: yes. Study: VKGL Data-share Consensus. Not counted in ClinVar's aggregate classification.

Dr. Peter K. Rogan Lab, Western University
No classification provided (evidence only). Condition: Cervical cancer. Review status: no classification provided. Collection method: in vitro. Allele origin: not applicable. Functional consequence: retained intron. Not counted in ClinVar's aggregate classification.

Dr. Peter K. Rogan Lab, Western University
No classification provided (evidence only). Condition: Cervical cancer. Review status: no classification provided. Collection method: in vitro. Allele origin: not applicable. Functional consequence: retained intron. Not counted in ClinVar's aggregate classification.

Dr. Peter K. Rogan Lab, Western University
No classification provided (evidence only). Condition: Sarcoma. Review status: no classification provided. Collection method: in vitro. Allele origin: not applicable. Functional consequence: retained intron. Not counted in ClinVar's aggregate classification.

Joint Genome Diagnostic Labs from Nijmegen and Maastricht, Radboudumc and MUMC+
Classification: Benign. Review status: no assertion criteria provided. Collection method: clinical testing. Allele origin: germline. Affected: yes. Study: VKGL Data-share Consensus. Not counted in ClinVar's aggregate classification.